The following is an entry in ClinVar:

ClinVar aggregate classification (germline): Uncertain significance (1 of 4 stars; one submission).

Conditions:
Dilated cardiomyopathy 1J (CMD1J). Also called: CARDIOMYOPATHY, DILATED, WITH SENSORINEURAL HEARING LOSS, AUTOSOMAL DOMINANT. Identifiers: Orphanet 217622, MedGen C1854368, MONDO:0011541, OMIM 605362.

Submission:

Labcorp Genetics (formerly Invitae), Labcorp
Classification: Uncertain significance for Dilated cardiomyopathy 1J. Last evaluated: 2025-05-07. Review status: criteria provided, single submitter. Criteria: Invitae Variant Classification Sherloc (09022015). Collection method: clinical testing. Allele origin: germline.
Comment: This sequence change replaces aspartic acid, which is acidic and polar, with glycine, which is neutral and non-polar, at codon 476 of the EYA4 protein (p.Asp476Gly). This variant is not present in population databases (gnomAD no frequency). This variant has not been reported in the literature in individuals affected with EYA4-related conditions. Invitae Evidence Modeling of protein sequence and biophysical properties (such as structural, functional, and spatial information, amino acid conservation, physicochemical variation, residue mobility, and thermodynamic stability) indicates that this missense variant is expected to disrupt EYA4 protein function with a positive predictive value of 80%. In summary, the available evidence is currently insufficient to determine the role of this variant in disease. Therefore, it has been classified as a Variant of Uncertain Significance.

NM_004100.5(EYA4):c.1427A>G (p.Asp476Gly)

Genes: EYA4 (EYA transcriptional coactivator and phosphatase 4; plus strand), TARID (TCF21 antisense RNA inducing promoter demethylation; minus strand). Cytogenetic location: 6q23.2.
Variant type: single nucleotide variant.
Coding change: c.1427A>G on transcript NM_004100.5 (MANE Select); coding-DNA position 1427, A replaced by G.
Protein change: p.Asp476Gly; replaces aspartic acid 476 with glycine.
Molecular consequence: missense variant.
Genome position (GRCh38, 1-based): chr6:133,512,964, A>G. VCF-style: chr6-133512964-A-G. GRCh37 (hg19) VCF-style: chr6-133834102-A-G.
Other names: c.1283A>G, p.Asp428Gly (NM_001370459.1); c.1358A>G, p.Asp453Gly (NM_172103.4, NM_001370458.1); c.1427A>G, p.Asp476Gly (NM_172105.4); c.1265A>G, p.Asp422Gly (NM_001301012.2); c.1445A>G, p.Asp482Gly (NM_001301013.2); short protein forms D422G, D428G, D453G, D476G, D482G.
Identifiers: ClinVar variation 4803474 (VCV004803474.1).
Genomic context (GRCh38, chr6:133,512,964, plus strand): 5'-TCCATGCAGCTGCAAGTAGTGCAAACCTTTGTTTGCCAACAGGTGTAAGAGGAGGGGTTG[A>G]CTGGATGAGGAAGTTGGCTTTTCGTTACAGAAGAGTAAAAGAATTATATAACACCTACAA-3'
Protein context (NP_004091.3, residues 466-486): CLPTGVRGGV[Asp476Gly]WMRKLAFRYR